The following is an entry in ClinVar:

NM_024334.3(TMEM43):c.201dup (p.Leu68fs)

Gene: TMEM43 (transmembrane protein 43; plus strand). Cytogenetic location: 3p25.1.
Variant type: Duplication.
Coding change: c.201dup on transcript NM_024334.3 (MANE Select); coding-DNA position 201, one base duplicated (G; older notation c.201dupG).
Protein change: p.Leu68fs; shifts the reading frame from leucine 68.
Molecular consequence: frameshift variant.
Genome position (GRCh38, 1-based): chr3:14,130,860, G duplicated; the last of 4 consecutive G bases (chr3:14,130,857-14,130,860); duplicating any one gives the same sequence. VCF-style (leftmost placement, unchanged base first): chr3-14130856-A-AG. GRCh37 (hg19) VCF-style: chr3-14172356-A-AG.
Other names: c.201dup, p.Leu68fs (NM_001407274.1, NM_001407275.1, NM_001407276.1 and 2 more transcripts); c.186dup, p.Leu63fs (NM_001407278.1); c.51dup, p.Leu18fs (NM_001407280.1); short protein forms L18fs, L63fs, L68fs.
Identifiers: ClinVar variation 3027429 (VCV003027429.1), dbSNP rs2470179437, ClinGen allele CA913188032.

ClinVar aggregate classification (germline): Likely pathogenic (1 of 4 stars; one submission).

Conditions:
Emery-Dreifuss muscular dystrophy 7, autosomal dominant (EDMD7). Also called: Emery-Dreifuss muscular dystrophy 7, AD. Identifiers: Orphanet 261, MedGen C3553060, MONDO:0013677, OMIM 614302.

Submission:

Human Genetics Bochum, Ruhr University Bochum
Classification: Likely pathogenic for Emery-Dreifuss muscular dystrophy 7, autosomal dominant. Last evaluated: 2023-04-18. Review status: criteria provided, single submitter. Criteria: ACMG Guidelines, 2015. Collection method: clinical testing. Allele origin: germline. Affected: yes.
Comment: ACMG criteria used to clasify this variant: PVS1, PM2_SUP